The following is an entry in ClinVar:

ClinVar aggregate classification (germline): Likely pathogenic (1 of 4 stars; one submission).

Submission:

GeneDx
Classification: Likely pathogenic. Last evaluated: 2023-02-07. Review status: criteria provided, single submitter. Criteria: GeneDx Variant Classification Process June 2021. Collection method: clinical testing. Allele origin: germline. Affected: yes.
Comment: Frameshift variant predicted to result in protein truncation, as the last 195 amino acids are replaced with 103 different amino acids, and other loss-of-function variants have been reported downstream in the Human Gene Mutation Database (HGMD); Not observed at significant frequency in large population cohorts (gnomAD); Has not been previously published as pathogenic or benign to our knowledge

NM_003839.4(TNFRSF11A):c.1266_1268delinsCC (p.Leu422fs)

Gene: TNFRSF11A (TNF receptor superfamily member 11a; plus strand). Cytogenetic location: 18q21.33.
Variant type: Indel.
Coding change: c.1266_1268delinsCC on transcript NM_003839.4 (MANE Select); coding-DNA positions 1266 to 1268, GCA replaced by CC.
Protein change: p.Leu422fs; shifts the reading frame from leucine 422.
Molecular consequence: frameshift variant. On other transcripts: intron variant (3).
Genome position (GRCh38, 1-based): chr18:62,369,183-62,369,185, GCA replaced by CC. VCF-style: chr18-62369183-GCA-CC. GRCh37 (hg19) VCF-style: chr18-60036416-GCA-CC.
Other names: c.1266_1268delGCAinsCC (NM_003839.2); c.1224_1226delinsCC, p.Leu408fs (NM_001278268.2); c.783+2423_783+2425delinsCC (NM_001270949.2); c.730+7390_730+7392delinsCC (NM_001270950.2); c.616+9134_616+9136delinsCC (NM_001270951.2); c.1266_1268delinsCC (NM_003839.2); short protein forms L408fs, L422fs.
Identifiers: ClinVar variation 817702 (VCV000817702.2), dbSNP rs1600406856, ClinGen allele CA915951567.